The following is an entry in ClinVar:

ClinVar aggregate classification (germline): Uncertain significance (1 of 4 stars; one submission).

Conditions:
Glycine encephalopathy. Also called: Nonketotic hyperglycinemia; Non-ketotic hyperglycinemia. Identifiers: Orphanet 407, MedGen C0751748, MONDO:0011612, HP:0008288.

Submission:

Labcorp Genetics (formerly Invitae), Labcorp
Classification: Uncertain significance for Glycine encephalopathy. Last evaluated: 2024-10-16. Review status: criteria provided, single submitter. Criteria: Invitae Variant Classification Sherloc (09022015). Collection method: clinical testing. Allele origin: germline.
Comment: This sequence change replaces lysine, which is basic and polar, with asparagine, which is neutral and polar, at codon 376 of the GLDC protein (p.Lys376Asn). This variant is not present in population databases (gnomAD no frequency). This variant has not been reported in the literature in individuals affected with GLDC-related conditions. ClinVar contains an entry for this variant (Variation ID: 2002910). Invitae Evidence Modeling of protein sequence and biophysical properties (such as structural, functional, and spatial information, amino acid conservation, physicochemical variation, residue mobility, and thermodynamic stability) indicates that this missense variant is expected to disrupt GLDC protein function with a positive predictive value of 95%. This variant disrupts the p.Lys376 amino acid residue in GLDC. Other variant(s) that disrupt this residue have been determined to be pathogenic (internal data). This suggests that this residue is clinically significant, and that variants that disrupt this residue are likely to be disease-causing. In summary, the available evidence is currently insufficient to determine the role of this variant in disease. Therefore, it has been classified as a Variant of Uncertain Significance.

NM_000170.3(GLDC):c.1128G>T (p.Lys376Asn)

Gene: GLDC (glycine decarboxylase; minus strand). Cytogenetic location: 9p24.1.
Variant type: single nucleotide variant.
Coding change: c.1128G>T on transcript NM_000170.3 (MANE Select); coding-DNA position 1128, G replaced by T.
Protein change: p.Lys376Asn; replaces lysine 376 with asparagine.
Molecular consequence: missense variant.
Genome position (GRCh38, 1-based): chr9:6,602,136, C>A on the plus strand (G>T on the coding strand, the complement: GLDC is on the minus strand). VCF-style: chr9-6602136-C-A. GRCh37 (hg19) VCF-style: chr9-6602136-C-A.
Other names: short protein forms K376N.
Identifiers: ClinVar variation 2002910 (VCV002002910.4), dbSNP rs751362445, ClinGen allele CA372894488.
Genomic context (GRCh38, chr9:6,602,136, plus strand): 5'-GCATTCAGTAGTCAGGTCAGACGTGTGATTTACCTGAGCTGTACAGATGTTGCTGGTAGC[C>A]TTGTCTCTCCGAATGTGTTGCTCCCTGGTTTGAAGAGCAAGACGATACACTTCTTTCCCA-3'
Protein context (NP_000161.2, residues 366-386): QTREQHIRRD[Lys376Asn]ATSNICTAQA